The following is an entry in ClinVar:

ClinVar aggregate classification (germline): Likely benign (1 of 4 stars; one submission).

gnomAD v4.1: 6 of 1,605,874 alleles (0.00037%); highest among the groups gnomAD compares: Admixed American, 0.0034%; no homozygotes.

Submission:

Dasa
Classification: Likely benign. Last evaluated: 2026-07-27. Review status: criteria provided, single submitter. Criteria: DASA Assertion Criteria. Collection method: clinical testing. Allele origin: germline.
Comment: NM_016333.4(SRRM2):c.1181C>T (p.Pro394Leu) is a missense variant that results in the substitution of proline with leucine. The variant context is inconsistent with a known disease-causing mechanism. Computational prediction algorithms are consistent with a benign effect. Therefore, based on the currently available evidence, this variant is classified as likely benign.

NM_016333.4(SRRM2):c.1181C>T (p.Pro394Leu)

Gene: SRRM2 (serine/arginine repetitive matrix 2; plus strand). Cytogenetic location: 16p13.3.
Variant type: single nucleotide variant.
Coding change: c.1181C>T on transcript NM_016333.4 (MANE Select); coding-DNA position 1181, C replaced by T.
Protein change: p.Pro394Leu; replaces proline 394 with leucine.
Molecular consequence: missense variant.
Genome position (GRCh38, 1-based): chr16:2,761,709, C>T. VCF-style: chr16-2761709-C-T. GRCh37 (hg19) VCF-style: chr16-2811710-C-T.
Other names: short protein forms P394L.
Identifiers: ClinVar variation 5020118 (VCV005020118.1).